The following is an entry in ClinVar:

ClinVar aggregate classification (germline): Conflicting classifications of pathogenicity. Review status: criteria provided, conflicting classifications (1 of 4 stars). 7 submissions from 7 submitters: Likely pathogenic (2); Uncertain significance (5). Last evaluated 2026-06-03.

Conditions:
Cardiovascular phenotype. Identifiers: MedGen CN230736.
Cardiomyopathy (CMYO). Also called: Cardiomyopathies. Identifiers: Orphanet 167848, MedGen C0878544, MONDO:0004994, HP:0001638. Inheritance: Various modes of inheritance.
Hypertrophic cardiomyopathy 1 (CMH1). Also called: Familial hypertrophic cardiomyopathy 1; MYH7-Related Familial Hypertrophic Cardiomyopathy. Identifiers: MedGen C3495498, MONDO:0008647, OMIM 192600.
Hypertrophic cardiomyopathy. Also called: HYPERTROPHIC MYOCARDIOPATHY. Identifiers: Orphanet 217569, MedGen C0007194, MeSH D002312, MONDO:0005045, HP:0001639.

Allele frequency attached by ClinVar (database versions not stated): TOPMed below 0.00001; gnomAD exomes 0.00001.
gnomAD v4.1: 14 of 1,614,182 alleles (0.00087%); highest among the groups gnomAD compares: Admixed American, 0.0017%; no homozygotes.

Submissions (7):

Ambry Genetics
Classification: Likely pathogenic for Cardiovascular phenotype. Last evaluated: 2026-06-03. Review status: criteria provided, single submitter. Criteria: Ambry Variant Classification Scheme 2023. Collection method: clinical testing. Allele origin: germline.
Comment: The p.R793Q variant (also known as c.2378G>A), located in coding exon 19 of the MYH7 gene, results from a G to A substitution at nucleotide position 2378. The arginine at codon 793 is replaced by glutamine, an amino acid with highly similar properties. This variant was reported in individual(s) with features consistent with MYH7-related cardiomyopathy (Waldm&uuml;ller S et al. Eur J Heart Fail, 2011 Nov;13:1185-92; Earle NJ et al. Circ Heart Fail, 2024 Mar;17:e010970). This variant has also been reported in exome cohorts; however, clinical details were limited (Homburger JR et al. Proc Natl Acad Sci U S A, 2016 06;113:6701-6; Kars ME et al. Proc Natl Acad Sci U S A, 2021 Sep;118:). This alteration is located in the myosin head domain, which contains a statistically significant clustering of pathogenic missense variants (Homburger JR et al. Proc Natl Acad Sci U S A, 2016 06;113:6701-6; Walsh R et al. Genet Med, 2017 02;19:192-203; Ambry internal data). This amino acid position is highly conserved in available vertebrate species. In addition, this alteration is predicted to be deleterious by in silico analysis. Based on the majority of available evidence to date, this variant is likely to be pathogenic.

Labcorp Genetics (formerly Invitae), Labcorp
Classification: Likely pathogenic for Hypertrophic cardiomyopathy. Last evaluated: 2025-12-31. Review status: criteria provided, single submitter. Criteria: Invitae Variant Classification Sherloc (09022015). Collection method: clinical testing. Allele origin: germline.
Comment: This sequence change replaces arginine, which is basic and polar, with glutamine, which is neutral and polar, at codon 793 of the MYH7 protein (p.Arg793Gln). This variant is present in population databases (rs730880896, gnomAD 0.003%). This missense change has been observed in individuals with hypertrophic cardiomyopathy (PMID: 21750094, 38456273; internal data). ClinVar contains an entry for this variant (Variation ID: 181371). Invitae Evidence Modeling of protein sequence and biophysical properties (such as structural, functional, and spatial information, amino acid conservation, physicochemical variation, residue mobility, and thermodynamic stability) indicates that this missense variant is expected to disrupt MYH7 protein function with a positive predictive value of 95%. In summary, the currently available evidence indicates that the variant is pathogenic, but additional data are needed to prove that conclusively. Therefore, this variant has been classified as Likely Pathogenic.

3billion
Classification: Uncertain significance for Hypertrophic cardiomyopathy 1. Last evaluated: 2025-10-01. Review status: criteria provided, single submitter. Criteria: ACMG Guidelines, 2015. Collection method: clinical testing. Allele origin: germline. Affected: yes.
Comment: The variant is observed at an extremely low frequency in the gnomAD v4.1.0 dataset (total allele frequency: <0.001%). Predicted Consequence/Location: The variant is located in a mutational hot spot and/or well-established functional domain in which established pathogenic variants have been reported (PMID: 29300372). In silico tool predictions suggest damaging effect of the variant on gene or gene product [REVEL: 0.90 (>=0.6, sensitivity 0.68 and specificity 0.92); 3Cnet: 0.97 (> 0.75, sensitivity 0.96 and precision 0.92)]. The same nucleotide change resulting in the same amino acid change has been previously reported to be associated with MYH7-related disorder (ClinVar ID: VCV000181371 /PMID: 21750094). However, the evidence of pathogenicity is insufficient at this time. Therefore, this variant is classified as VUS according to the recommendation of ACMG/AMP guideline.

Dasa
Classification: Uncertain significance for Hypertrophic cardiomyopathy 1. Last evaluated: 2025-09-18. Review status: criteria provided, single submitter. Criteria: DASA Assertion Criteria. Collection method: clinical testing. Allele origin: germline.
Comment: NM_000257.4(MYH7):c.2378G>A (p.Arg793Gln) is a missense variant that results in the substitution of arginine with glutamine. The affected residue or protein region has prior evidence supporting clinical relevance. This variant has been reported in individuals with MYH7-related disorders (PMID: 21750094). Also, this variant is rare in population databases. Computational prediction algorithms are consistent with a deleterious effect. The currently available literature and clinical evidence are not sufficient to establish a definitive association between this variant and the reported condition. Therefore, this variant is classified as a variant of uncertain significance.

GeneDx
Classification: Uncertain significance. Last evaluated: 2023-09-11. Review status: criteria provided, single submitter. Criteria: GeneDx Variant Classification Process June 2021. Collection method: clinical testing. Allele origin: germline. Affected: yes.
Comment: Reported in one patient with HCM; however, detailed clinical information and segregation data were not provided (Waldmller et al., 2011).; Not observed at significant frequency in large population cohorts (gnomAD); In silico analysis supports that this missense variant has a deleterious effect on protein structure/function; In silico analysis suggests this variant may impact gene splicing. In the absence of RNA/functional studies, the actual effect of this sequence change is unknown.; This variant is associated with the following publications: (PMID: 34426522, 27532257, 29300372, 34542152, 21750094)

All of Us Research Program, National Institutes of Health
Classification: Uncertain significance for Cardiomyopathy. Last evaluated: 2023-04-27. Review status: criteria provided, single submitter. Criteria: ACMG Guidelines, 2015. Collection method: clinical testing. Allele origin: germline. Inheritance: Autosomal dominant inheritance. Observed: 2 variant alleles, 2 heterozygotes.
Comment: This missense variant replaces arginine with glutamine at codon 793 of the MYH7 protein. Computational prediction suggests that this variant may have deleterious impact on protein structure and function (internally defined REVEL score threshold >= 0.7, PMID: 27666373). This variant is found within a highly conserved region of the myosin head domain. Missense variants in this region have been shown to be significantly overrepresented in individuals with hypertrophic cardiomyopathy (PMID: 27532257). To our knowledge, functional studies have not been reported for this variant. This variant has been reported in an individual affected with hypertrophic cardiomyopathy (PMID: 21750094). This variant has been identified in 2/251468 chromosomes in the general population by the Genome Aggregation Database (gnomAD). The available evidence is insufficient to determine the role of this variant in disease conclusively. Therefore, this variant is classified as a Variant of Uncertain Significance.

This study involves interpretation of variants in research participants for the purpose of population health screening. Participant phenotype was not available at the time of variant classification. Additional details can be found in publication PMID: 35346344, PMCID: PMC8962531

AiLife Diagnostics
Classification: Uncertain significance. Last evaluated: 2021-10-20. Review status: criteria provided, single submitter. Criteria: ACMG Guidelines, 2015. Collection method: clinical testing. Allele origin: germline. Affected: yes. Observed: 1 variant allele.

Literature cited by the submitters: PubMed 21750094 (cited by 6 submitters); PubMed 27247418 (cited by Ambry Genetics); PubMed 34426522 (cited by Ambry Genetics); PubMed 38456273 (cited by Ambry Genetics and Labcorp Genetics (formerly Invitae), Labcorp); PubMed 30696458 (cited by Dasa); PubMed 27532257 (cited by All of Us Research Program, National Institutes of Health).

NM_000257.4(MYH7):c.2378G>A (p.Arg793Gln)

Genes: MYH7 (myosin heavy chain 7; minus strand), LOC126861898 (BRD4-independent group 4 enhancer GRCh37_chr14:23893609-23894808; plus strand). Cytogenetic location: 14q11.2.
Variant type: single nucleotide variant.
Coding change: c.2378G>A on transcript NM_000257.4 (MANE Select); coding-DNA position 2378, G replaced by A.
Protein change: p.Arg793Gln; replaces arginine 793 with glutamine.
Molecular consequence: missense variant.
Genome position (GRCh38, 1-based): chr14:23,425,327, C>T on the plus strand (G>A on the coding strand, the complement: MYH7 is on the minus strand). VCF-style: chr14-23425327-C-T. GRCh37 (hg19) VCF-style: chr14-23894536-C-T.
Other names: p.R793Q:CGA>CAA; short protein forms R793Q.
Identifiers: ClinVar variation 181371 (VCV000181371.23), dbSNP rs730880896, ClinGen allele CA012259.